The following is an entry in ClinVar:

ClinVar aggregate classification (germline): Conflicting classifications of pathogenicity. Review status: criteria provided, conflicting classifications (1 of 4 stars). 3 submissions from 3 submitters: Uncertain significance (2); Benign (1). Last evaluated 2021-08-27.

Conditions:
Cataract 6 multiple types. Also called: CATARACT, AGE-RELATED CORTICAL, 2; CATARACT 6, POSTERIOR POLAR; CATARACT 6, CONGENITAL TOTAL. Identifiers: Orphanet 91492, MedGen C1861825, MONDO:0007288, OMIM 116600.

Allele frequency attached by ClinVar (database versions not stated): gnomAD exomes 0.00014; gnomAD 0.00006; 1000 Genomes Project 30x 0.00016; 1000 Genomes Project 0.00020; TOPMed 0.00023; ExAC 0.00011.

Submissions (3):

Labcorp Genetics (formerly Invitae), Labcorp
Classification: Uncertain significance for Cataract 6 multiple types. Last evaluated: 2021-08-27. Review status: criteria provided, single submitter. Criteria: Invitae Variant Classification Sherloc (09022015). Collection method: clinical testing. Allele origin: germline.
Comment: This sequence change replaces valine with isoleucine at codon 574 of the EPHA2 protein (p.Val574Ile). The valine residue is highly conserved and there is a small physicochemical difference between valine and isoleucine. This variant is present in population databases (rs201325716, ExAC 0.02%). This variant has not been reported in the literature in individuals affected with EPHA2-related conditions. ClinVar contains an entry for this variant (Variation ID: 293424). Algorithms developed to predict the effect of missense changes on protein structure and function (SIFT, PolyPhen-2, Align-GVGD) all suggest that this variant is likely to be tolerated. In summary, the available evidence is currently insufficient to determine the role of this variant in disease. Therefore, it has been classified as a Variant of Uncertain Significance.

GeneDx
Classification: Uncertain significance. Last evaluated: 2020-02-18. Review status: criteria provided, single submitter. Criteria: GeneDx Variant Classification Process June 2021. Collection method: clinical testing. Allele origin: germline. Affected: yes.
Comment: In silico analysis supports that this missense variant does not alter protein structure/function; Has not been previously published as pathogenic or benign to our knowledge

Illumina Laboratory Services, Illumina
Classification: Benign for Cataract 6 multiple types. Last evaluated: 2018-01-13. Review status: criteria provided, single submitter. Criteria: ICSL Variant Classification Criteria 13 December 2019. Collection method: clinical testing. Allele origin: germline.
Comment: This variant was observed in the ICSL laboratory as part of a predisposition screen in an ostensibly healthy population. It had not been previously curated by ICSL or reported in the Human Gene Mutation Database (HGMD: prior to June 1st, 2018), and was therefore a candidate for classification through an automated scoring system. Utilizing variant allele frequency, disease prevalence and penetrance estimates, and inheritance mode, an automated score was calculated to assess if this variant is too frequent to cause the disease. Based on the score and internal cut-off values, a variant classified as benign is not then subjected to further curation. The score for this variant resulted in a classification of benign for this disease.

NM_004431.5(EPHA2):c.1720G>A (p.Val574Ile)

Gene: EPHA2 (EPH receptor A2; minus strand). Cytogenetic location: 1p36.13.
Variant type: single nucleotide variant.
Coding change: c.1720G>A on transcript NM_004431.5 (MANE Select); coding-DNA position 1720, G replaced by A.
Protein change: p.Val574Ile; replaces valine 574 with isoleucine.
Molecular consequence: missense variant.
Genome position (GRCh38, 1-based): chr1:16,133,878, C>T on the plus strand (G>A on the coding strand, the complement: EPHA2 is on the minus strand). VCF-style: chr1-16133878-C-T. GRCh37 (hg19) VCF-style: chr1-16460373-C-T.
Other names: c.1558G>A, p.Val520Ile (NM_001329090.2); short protein forms V574I, V520I.
Identifiers: ClinVar variation 293424 (VCV000293424.9), dbSNP rs201325716, ClinGen allele CA625079.